The following is an entry in ClinVar:

NM_001291415.2(KDM6A):c.4306A>G (p.Met1436Val)

Gene: KDM6A (lysine demethylase 6A; plus strand). Cytogenetic location: Xp11.3.
Variant type: single nucleotide variant.
Coding change: c.4306A>G on transcript NM_001291415.2 (MANE Select); coding-DNA position 4306, A replaced by G.
Protein change: p.Met1436Val; replaces methionine 1436 with valine.
Molecular consequence: missense variant. On other transcripts: non-coding transcript variant (1).
Genome position (GRCh38, 1-based): chrX:45,110,223, A>G. VCF-style: chrX-45110223-A-G. GRCh37 (hg19) VCF-style: chrX-44969468-A-G.
Other names: c.4171A>G, p.Met1391Val (NM_001291416.2); c.4015A>G, p.Met1339Val (NM_001291417.2); c.3913A>G, p.Met1305Val (NM_001291418.2); c.3262A>G, p.Met1088Val (NM_001291421.2); c.4048A>G, p.Met1350Val (NM_001410742.1); c.4414A>G, p.Met1472Val (NM_001419809.1); c.4312A>G, p.Met1438Val (NM_001419810.1); c.4279A>G, p.Met1427Val (NM_001419811.1); and 5 more; short protein forms M1088V, M1420V, M1438V, M1350V, M1384V, M1436V, M1305V, M1402V.
Identifiers: ClinVar variation 5009015 (VCV005009015.1).

ClinVar aggregate classification (germline): Uncertain significance (1 of 4 stars; one submission).

Submission:

GeneDx
Classification: Uncertain significance. Last evaluated: 2026-03-10. Review status: criteria provided, single submitter. Criteria: GeneDx Variant Classification Process June 2021. Collection method: clinical testing. Allele origin: germline.
Comment: Not observed at significant frequency in large population cohorts (gnomAD); In silico analysis suggests that this missense variant does not alter protein structure/function; Has not been previously published as pathogenic or benign to our knowledge